The following is an entry in ClinVar:

NM_001199107.2(TBC1D24):c.1525+6C>A

Gene: TBC1D24 (TBC1 domain family member 24; plus strand). Cytogenetic location: 16p13.3.
Variant type: single nucleotide variant.
Coding change: c.1525+6C>A on transcript NM_001199107.2 (MANE Select); 6 bases into the intron after coding-DNA position 1525, C replaced by A.
Molecular consequence: intron variant.
Genome position (GRCh38, 1-based): chr16:2,500,496, C>A. VCF-style: chr16-2500496-C-A. GRCh37 (hg19) VCF-style: chr16-2550497-C-A.
Other names: c.1507+6C>A (NM_020705.3).
Identifiers: ClinVar variation 2943115 (VCV002943115.3), dbSNP rs758013935, ClinGen allele CA2631218831.

ClinVar aggregate classification (germline): Uncertain significance (1 of 4 stars; one submission).

Conditions:
Autosomal dominant nonsyndromic hearing loss 65. Also called: Deafness, autosomal dominant 65; TBC1D24-Related Autosomal Dominant Nonsyndromic Hearing Loss (DFNA). Identifiers: Orphanet 90635, MedGen C3892048, MONDO:0014470, OMIM 616044.
Developmental and epileptic encephalopathy, 1 (DEE1). Also called: INFANTILE SPASM SYNDROME, X-LINKED 1; X-linked infantile spasms; West's syndrome; Tonic spasms with clustering, arrest of psychomotor development and hypsarrhythmia on EEG; X-Linked Infantile Spasm Syndrome; OHTAHARA SYNDROME, X-LINKED. Identifiers: MedGen C3463992, MONDO:0010632, OMIM 308350. Disease mechanism: loss of function.

Submission:

Labcorp Genetics (formerly Invitae), Labcorp
Classification: Uncertain significance for Developmental and epileptic encephalopathy, 1; Autosomal dominant nonsyndromic hearing loss 65. Last evaluated: 2023-09-10. Review status: criteria provided, single submitter. Criteria: Invitae Variant Classification Sherloc (09022015). Collection method: clinical testing. Allele origin: germline.
Comment: In summary, the available evidence is currently insufficient to determine the role of this variant in disease. Therefore, it has been classified as a Variant of Uncertain Significance. Variants that disrupt the consensus splice site are a relatively common cause of aberrant splicing (PMID: 17576681, 9536098). Algorithms developed to predict the effect of sequence changes on RNA splicing suggest that this variant is not likely to affect RNA splicing. This variant has not been reported in the literature in individuals affected with TBC1D24-related conditions. This variant is not present in population databases (gnomAD no frequency). This sequence change falls in intron 7 of the TBC1D24 gene. It does not directly change the encoded amino acid sequence of the TBC1D24 protein. It affects a nucleotide within the consensus splice site.

Literature cited by the submitters: PubMed 17576681; PubMed 9536098.